The following is an entry in ClinVar:

ClinVar aggregate classification (germline): Uncertain significance (1 of 4 stars; one submission).

Conditions:
Leigh syndrome (NULS). Also called: Leigh's necrotizing encephalopathy; Leigh's disease; Leigh Syndrome (mtDNA deletion); Leigh Disease; Subacute necrotizing encephalopathy; Necrotizing encephalopathy infantile subacute of Leigh. Identifiers: Orphanet 506, MedGen C2931891, MONDO:0009723, OMIM 256000.

Submission:

Wong Mito Lab, Molecular and Human Genetics, Baylor College of Medicine
Classification: Uncertain significance for Leigh syndrome. Last evaluated: 2019-10-17. Review status: criteria provided, single submitter. Criteria: Modified ACMG Guidelines (Unpublished). Collection method: clinical testing. Allele origin: germline.
Comment: The NC_012920.1:m.9304T>C (YP_003024032.1:p.Met33Thr) variant in MTCO3 gene is interpretated to be a Uncertain Significance variant based on the modified ACMG guidelines (unpublished). This variant meets the following evidence codes: BP4

NC_012920.1(MT-CO3):m.9304T>C

Gene: MT-CO3 (mitochondrially encoded cytochrome c oxidase III; plus strand).
Variant type: single nucleotide variant.
Genome position: chrM-9304-T-C.
Identifiers: ClinVar variation 693143 (VCV000693143.1), dbSNP rs1603222232, ClinGen allele CA414802640.
Genomic context (GRCh38, chrMT:9,304, plus strand): 5'-CCAGCCCATGACCCCTAACAGGGGCCCTCTCAGCCCTCCTAATGACCTCCGGCCTAGCCA[T>C]GTGATTTCACTTCCACTCCATAACGCTCCTCATACTAGGCCTACTAACCAACACACTAAC-3'